The following is an entry in ClinVar:

ClinVar aggregate classification (germline): Likely benign. Review status: criteria provided, multiple submitters, no conflicts (2 of 4 stars). 2 submissions from 2 submitters: Likely benign (2). Last evaluated 2024-11-27.

Allele frequency attached by ClinVar (database versions not stated): gnomAD 0.00003; TOPMed 0.00003; ESP Exome Variant Server 0.00008; ExAC 0.00010; 1000 Genomes Project 30x 0.00016; 1000 Genomes Project 0.00020.
gnomAD v4.1: 129 of 1,614,120 alleles (0.008%); highest among the groups gnomAD compares: South Asian, 0.032%; no homozygotes.

Submissions (2):

Labcorp Genetics (formerly Invitae), Labcorp
Classification: Likely benign. Last evaluated: 2024-11-27. Review status: criteria provided, single submitter. Criteria: Invitae Variant Classification Sherloc (09022015). Collection method: clinical testing. Allele origin: germline.

GeneDx
Classification: Likely benign. Last evaluated: 2017-10-05. Review status: criteria provided, single submitter. Criteria: GeneDx Variant Classification (06012015). Collection method: clinical testing. Allele origin: germline. Affected: yes.
Comment: This variant is considered likely benign or benign based on one or more of the following criteria: it is a conservative change, it occurs at a poorly conserved position in the protein, it is predicted to be benign by multiple in silico algorithms, and/or has population frequency not consistent with disease.

NM_145199.3(LIPT1):c.753G>A (p.Thr251=)

Genes: MITD1 (microtubule interacting and trafficking domain containing 1; minus strand), LIPT1 (lipoyltransferase 1; plus strand). Cytogenetic location: 2q11.2.
Variant type: single nucleotide variant.
Coding change: c.753G>A on transcript NM_145199.3 (MANE Select); coding-DNA position 753, G replaced by A.
Protein change: p.Thr251=; no amino-acid change (threonine 251 retained).
Molecular consequence: synonymous variant. On other transcripts: non-coding transcript variant (2).
Genome position (GRCh38, 1-based): chr2:99,162,710, G>A. VCF-style: chr2-99162710-G-A. GRCh37 (hg19) VCF-style: chr2-99779173-G-A.
Other names: c.753G>A, p.Thr251= (NM_001204830.2, NM_015929.4, NM_145197.3 and 1 more transcripts).
Identifiers: ClinVar variation 382793 (VCV000382793.3), dbSNP rs373610498, ClinGen allele CA1797371.